The following is an entry in ClinVar:

ClinVar aggregate classification (germline): Likely pathogenic. Review status: criteria provided, multiple submitters, no conflicts (2 of 4 stars). 2 submissions from 2 submitters: Likely pathogenic (2). Last evaluated 2024-07-30.

Conditions:
Ullrich congenital muscular dystrophy 1A. Also called: Ullrich congenital muscular dystrophy 1; Intermediate COL6-RD. Identifiers: Orphanet 75840, MedGen C0410179, MONDO:0009681, OMIM 254090.
COL6A3-related disorder. Also called: COL6A3-related disorders; COL6A3-related condition.

Submissions (2):

Women's Health and Genetics/Laboratory Corporation of America, LabCorp
Classification: Likely pathogenic for Ullrich congenital muscular dystrophy 1A. Last evaluated: 2024-07-30. Review status: criteria provided, single submitter. Criteria: LabCorp Variant Classification Summary - May 2015. Collection method: clinical testing. Allele origin: germline.
Comment: Variant summary: COL6A3 c.7668+1G>A is located in a canonical splice-site and is predicted to affect mRNA splicing resulting in a significantly altered protein due to either exon skipping, shortening, or inclusion of intronic material. Variants that disrupt the consensus splice site are a relatively common cause of aberrant splicing and loss of COL6A3 function. Several computational tools predict a significant impact on normal splicing: Three predict the variant abolishes a 5' splicing donor site. However, these predictions have yet to be confirmed by functional studies. The variant was absent in 250876 control chromosomes. To our knowledge, no occurrence of c.7668+1G>A in individuals affected with Ullrich Congenital Muscular Dystrophy 1 and no experimental evidence demonstrating its impact on protein function have been reported. No submitters have cited clinical-significance assessments for this variant to ClinVar. Based on the evidence outlined above, the variant was classified as likely pathogenic.

Blueprint Genetics
Classification: Likely pathogenic for COL6A3-related disorders. Last evaluated: 2024-04-25. Review status: criteria provided, single submitter. Criteria: ACMG Guidelines, 2015. Collection method: clinical testing. Allele origin: germline. Affected: yes. Observed: 2 variant alleles.

NM_004369.4(COL6A3):c.7668+1G>A

Gene: COL6A3 (collagen type VI alpha 3 chain; minus strand). Cytogenetic location: 2q37.3.
Variant type: single nucleotide variant.
Coding change: c.7668+1G>A on transcript NM_004369.4 (MANE Select); the canonical splice donor site of the intron after coding-DNA position 7668, G replaced by A.
Molecular consequence: splice donor variant.
Genome position (GRCh38, 1-based): chr2:237,344,349, C>T on the plus strand (G>A on the coding strand, the complement: COL6A3 is on the minus strand). VCF-style: chr2-237344349-C-T. GRCh37 (hg19) VCF-style: chr2-238252992-C-T.
Other names: c.5847+1G>A (NM_057166.5); c.7050+1G>A (NM_057167.4).
Identifiers: ClinVar variation 3339097 (VCV003339097.2).